The following is an entry in ClinVar:

NM_000419.5(ITGA2B):c.608G>A (p.Ser203Asn)

Gene: ITGA2B (integrin subunit alpha 2b; minus strand). Cytogenetic location: 17q21.31.
Variant type: single nucleotide variant.
Coding change: c.608G>A on transcript NM_000419.5 (MANE Select); coding-DNA position 608, G replaced by A.
Protein change: p.Ser203Asn; replaces serine 203 with asparagine.
Molecular consequence: missense variant.
Genome position (GRCh38, 1-based): chr17:44,385,302, C>T on the plus strand (G>A on the coding strand, the complement: ITGA2B is on the minus strand). VCF-style: chr17-44385302-C-T. GRCh37 (hg19) VCF-style: chr17-42462670-C-T.
Other names: short protein forms S203N.
Identifiers: ClinVar variation 4749731 (VCV004749731.1).

ClinVar aggregate classification (germline): Uncertain significance (1 of 4 stars; one submission).

Conditions:
Glanzmann thrombasthenia. Also called: BLEEDING DISORDER, PLATELET-TYPE, 2; THROMBASTHENIA OF GLANZMANN AND NAEGELI; PLATELET GLYCOPROTEIN IIb-IIIa DEFICIENCY; Glanzmann's thrombasthenia; Thrombasthenia. Identifiers: Orphanet 849, MedGen C0040015, MONDO:0100326.

gnomAD v4.1: 2 of 1,612,920 alleles (0.00012%); highest among the groups gnomAD compares: Admixed American, 0.0033%; no homozygotes.

Submission:

Labcorp Genetics (formerly Invitae), Labcorp
Classification: Uncertain significance for Glanzmann thrombasthenia. Last evaluated: 2025-06-16. Review status: criteria provided, single submitter. Criteria: Invitae Variant Classification Sherloc (09022015). Collection method: clinical testing. Allele origin: germline.
Comment: This sequence change replaces serine, which is neutral and polar, with asparagine, which is neutral and polar, at codon 203 of the ITGA2B protein (p.Ser203Asn). This variant is present in population databases (rs765917020, gnomAD 0.009%). This variant has not been reported in the literature in individuals affected with ITGA2B-related conditions. Invitae Evidence Modeling of protein sequence and biophysical properties (such as structural, functional, and spatial information, amino acid conservation, physicochemical variation, residue mobility, and thermodynamic stability) indicates that this missense variant is expected to disrupt ITGA2B protein function with a positive predictive value of 95%. In summary, the available evidence is currently insufficient to determine the role of this variant in disease. Therefore, it has been classified as a Variant of Uncertain Significance.